The following is an entry in ClinVar:

NM_020937.4(FANCM):c.159C>T (p.Asp53=)

Gene: FANCM (FA complementation group M; plus strand). Cytogenetic location: 14q21.2.
Variant type: single nucleotide variant.
Coding change: c.159C>T on transcript NM_020937.4 (MANE Select); coding-DNA position 159, C replaced by T.
Protein change: p.Asp53=; no amino-acid change (aspartic acid 53 retained).
Molecular consequence: synonymous variant.
Genome position (GRCh38, 1-based): chr14:45,136,190, C>T. VCF-style: chr14-45136190-C-T. GRCh37 (hg19) VCF-style: chr14-45605393-C-T.
Other names: c.159C>T, p.Asp53= (NM_001308133.2, NM_001308134.2).
Identifiers: ClinVar variation 698687 (VCV000698687.34), dbSNP rs147559750, ClinGen allele CA7168708.
Genomic context (GRCh38, chr14:45,136,190, plus strand): 5'-GAGCCCTGGCAGCTCCAAGGCGCCTTTGCCAGCAGCAGCGGAGGCTCAGCTGGAGTCGGA[C>T]GATGATGTGTTGCTTGTCGCGGCGTACGAGGCTGAGCGGCAGTTGTGTCTAGAGAATGGC-3'
Protein context (NP_065988.1, residues 43-63): PAAAEAQLES[Asp53=]DDVLLVAAYE

ClinVar aggregate classification (germline): Likely benign. Review status: criteria provided, multiple submitters, no conflicts (2 of 4 stars). 8 submissions from 8 submitters: Likely benign (7). 1 of the submissions does not count toward it. Last evaluated 2025-11-05.

Conditions:
Spermatogenic failure 28. Identifiers: MedGen C4748117, MONDO:0054732, OMIM 618086.
Premature ovarian failure 15. Identifiers: MedGen C4748170, MONDO:0054862, OMIM 618096.
Inborn genetic diseases. Identifiers: MedGen C0950123, MeSH D030342.
Fanconi anemia (FA). Also called: Fanconi's anemia. Identifiers: Orphanet 84, MedGen C0015625, MeSH D005199, MONDO:0019391.
FANCM-related disorder. Also called: FANCM-related condition.

Allele frequency attached by ClinVar (database versions not stated): ExAC 0.00008; gnomAD exomes 0.00010; 1000 Genomes Project 0.00040; gnomAD 0.00044 and 0.00046; TOPMed 0.00050; 1000 Genomes Project 30x 0.00062; ESP Exome Variant Server 0.00069.
gnomAD v4.1: 124 of 1,614,180 alleles (0.0077%); highest among the groups gnomAD compares: African/African-American, 0.15%; no homozygotes.

Submissions (8):

Labcorp Genetics (formerly Invitae), Labcorp
Classification: Likely benign for Fanconi anemia. Last evaluated: 2025-11-05. Review status: criteria provided, single submitter. Criteria: Invitae Variant Classification Sherloc (09022015). Collection method: clinical testing. Allele origin: germline.

Ambry Genetics
Classification: Likely benign for Inborn genetic diseases. Last evaluated: 2024-10-04. Review status: criteria provided, single submitter. Criteria: Ambry Variant Classification Scheme 2023. Collection method: clinical testing. Allele origin: germline.

CeGaT Center for Human Genetics Tuebingen
Classification: Likely benign. Last evaluated: 2024-09-01. Review status: criteria provided, single submitter. Criteria: CeGaT Center For Human Genetics Tuebingen Variant Classification Criteria Version 2. Collection method: clinical testing. Allele origin: germline. Affected: yes. Observed: 1 variant allele.
Comment: FANCM: BP4, BP7

Blueprint Genetics
Classification: Likely benign. Last evaluated: 2024-02-16. Review status: criteria provided, single submitter. Criteria: ACMG Guidelines, 2015. Collection method: clinical testing. Allele origin: germline.

Quest Diagnostics Nichols Institute San Juan Capistrano
Classification: Likely benign. Last evaluated: 2022-11-14. Review status: criteria provided, single submitter. Criteria: Quest Diagnostics criteria. Collection method: clinical testing. Allele origin: unknown.

Fulgent Genetics
Classification: Likely benign for Spermatogenic failure 28; Premature ovarian failure 15. Last evaluated: 2021-08-25. Review status: criteria provided, single submitter. Criteria: ACMG Guidelines, 2015. Collection method: clinical testing. Allele origin: unknown.

GeneDx
Classification: Likely benign. Last evaluated: 2020-11-18. Review status: criteria provided, single submitter. Criteria: GeneDx Variant Classification Process June 2021. Collection method: clinical testing. Allele origin: germline. Affected: yes.

PreventionGenetics, part of Exact Sciences
Classification: Likely benign for FANCM-related condition. Last evaluated: 2022-05-26. Review status: no assertion criteria provided. Collection method: clinical testing. Allele origin: germline. Not counted in ClinVar's aggregate classification.
Comment: This variant is classified as likely benign based on ACMG/AMP sequence variant interpretation guidelines (Richards et al. 2015 PMID: 25741868, with internal and published modifications).